The following is an entry in ClinVar:

NM_000032.5(ALAS2):c.451G>A (p.Asp151Asn)

Gene: ALAS2 (5'-aminolevulinate synthase 2; minus strand). Cytogenetic location: Xp11.21.
Variant type: single nucleotide variant.
Coding change: c.451G>A on transcript NM_000032.5 (MANE Select); coding-DNA position 451, G replaced by A.
Protein change: p.Asp151Asn; replaces aspartic acid 151 with asparagine.
Molecular consequence: missense variant.
Genome position (GRCh38, 1-based): chrX:55,021,239, C>T on the plus strand (G>A on the coding strand, the complement: ALAS2 is on the minus strand). VCF-style: chrX-55021239-C-T. GRCh37 (hg19) VCF-style: chrX-55047672-C-T.
Other names: c.340G>A, p.Asp114Asn (NM_001037967.4); c.412G>A, p.Asp138Asn (NM_001037968.4); short protein forms D138N, D114N, D151N.
Identifiers: ClinVar variation 2093850 (VCV002093850.4), dbSNP rs2519587810, ClinGen allele CA413295784.

ClinVar aggregate classification (germline): Uncertain significance (1 of 4 stars; one submission).

Submission:

Labcorp Genetics (formerly Invitae), Labcorp
Classification: Uncertain significance. Last evaluated: 2022-02-06. Review status: criteria provided, single submitter. Criteria: Invitae Variant Classification Sherloc (09022015). Collection method: clinical testing. Allele origin: germline.
Comment: In summary, the available evidence is currently insufficient to determine the role of this variant in disease. Therefore, it has been classified as a Variant of Uncertain Significance. This sequence change replaces aspartic acid, which is acidic and polar, with asparagine, which is neutral and polar, at codon 151 of the ALAS2 protein (p.Asp151Asn). This variant is not present in population databases (gnomAD no frequency). This variant has not been reported in the literature in individuals affected with ALAS2-related conditions. Advanced modeling of protein sequence and biophysical properties (such as structural, functional, and spatial information, amino acid conservation, physicochemical variation, residue mobility, and thermodynamic stability) performed at Invitae indicates that this missense variant is not expected to disrupt ALAS2 protein function.